The following is an entry in ClinVar:

NM_004423.4(DVL3):c.405G>A (p.Thr135=)

Gene: DVL3 (dishevelled segment polarity protein 3; plus strand). Cytogenetic location: 3q27.1.
Variant type: single nucleotide variant.
Coding change: c.405G>A on transcript NM_004423.4 (MANE Select); coding-DNA position 405, G replaced by A.
Protein change: p.Thr135=; no amino-acid change (threonine 135 retained).
Molecular consequence: synonymous variant.
Genome position (GRCh38, 1-based): chr3:184,164,543, G>A. VCF-style: chr3-184164543-G-A. GRCh37 (hg19) VCF-style: chr3-183882331-G-A.
Identifiers: ClinVar variation 4822190 (VCV004822190.4).

ClinVar aggregate classification (germline): Likely benign (1 of 4 stars; one submission).

gnomAD v4.1: 11 of 1,581,724 alleles (0.0007%); highest among the groups gnomAD compares: South Asian, 0.007%; 1 homozygote.

Submission:

CeGaT Center for Human Genetics Tuebingen
Classification: Likely benign. Last evaluated: 2026-01-01. Review status: criteria provided, single submitter. Criteria: CeGaT Center For Human Genetics Tuebingen Variant Classification Criteria Version 2. Collection method: clinical testing. Allele origin: germline. Affected: yes. Observed: 1 variant allele.
Comment: DVL3: BP4, BP7